The following is an entry in ClinVar:

ClinVar aggregate classification (germline): Benign. Review status: criteria provided, multiple submitters, no conflicts (2 of 4 stars). 2 submissions from 2 submitters: Benign (2). Last evaluated 2018-01-13.

Conditions:
Biotin-responsive basal ganglia disease (BTBGD). Also called: Thiamine Transporter-2 Deficiency; THIAMINE METABOLISM DYSFUNCTION SYNDROME 2 (BIOTIN- AND THIAMINE-RESPONSIVE TYPE); Thiamine metabolism dysfunction syndrome type 2; Thiamine metabolism dysfunction syndrome 2 (biotin- or thiamine-responsive encephalopathy type 2); thiamine-responsive encephalopathy. Identifiers: Orphanet 199348, Orphanet 65284, MedGen C1843807, MONDO:0011841, OMIM 607483.

Allele frequency attached by ClinVar (database versions not stated): gnomAD 0.07442 and 0.07932; TOPMed 0.08324; 1000 Genomes Project 0.08446; 1000 Genomes Project 30x 0.09525.

Submissions (2):

Illumina Laboratory Services, Illumina
Classification: Benign for Biotin-responsive basal ganglia disease. Last evaluated: 2018-01-13. Review status: criteria provided, single submitter. Criteria: ICSL Variant Classification Criteria 13 December 2019. Collection method: clinical testing. Allele origin: germline.
Comment: This variant was observed in the ICSL laboratory as part of a predisposition screen in an ostensibly healthy population. It had not been previously curated by ICSL or reported in the Human Gene Mutation Database (HGMD: prior to June 1st, 2018), and was therefore a candidate for classification through an automated scoring system. Utilizing variant allele frequency, disease prevalence and penetrance estimates, and inheritance mode, an automated score was calculated to assess if this variant is too frequent to cause the disease. Based on the score and internal cut-off values, a variant classified as benign is not then subjected to further curation. The score for this variant resulted in a classification of benign for this disease.

Breakthrough Genomics
Classification: Benign. Review status: criteria provided, single submitter. Criteria: ACMG Guidelines, 2015. Collection method: not provided. Allele origin: germline. Inheritance: Autosomal recessive inheritance. Affected: yes.

NM_025243.4(SLC19A3):c.*2132T>C

Gene: SLC19A3 (solute carrier family 19 member 3; minus strand). Cytogenetic location: 2q36.3.
Variant type: single nucleotide variant.
Coding change: c.*2132T>C on transcript NM_025243.4 (MANE Select); 2132 bases downstream of the stop codon, T replaced by C.
Molecular consequence: 3 prime UTR variant.
Genome position (GRCh38, 1-based): chr2:227,685,265, A>G on the plus strand (T>C on the coding strand, the complement: SLC19A3 is on the minus strand). VCF-style: chr2-227685265-A-G. GRCh37 (hg19) VCF-style: chr2-228549981-A-G.
Identifiers: ClinVar variation 334830 (VCV000334830.6), dbSNP rs115320284, ClinGen allele CA10613038.